The following is an entry in ClinVar:

NM_001098816.3(TENM4):c.6740G>A (p.Arg2247Gln)

Gene: TENM4 (teneurin transmembrane protein 4; minus strand). Cytogenetic location: 11q14.1.
Variant type: single nucleotide variant.
Coding change: c.6740G>A on transcript NM_001098816.3 (MANE Select); coding-DNA position 6740, G replaced by A.
Protein change: p.Arg2247Gln; replaces arginine 2247 with glutamine.
Molecular consequence: missense variant.
Genome position (GRCh38, 1-based): chr11:78,669,605, C>T on the plus strand (G>A on the coding strand, the complement: TENM4 is on the minus strand). VCF-style: chr11-78669605-C-T. GRCh37 (hg19) VCF-style: chr11-78380650-C-T.
Other names: short protein forms R2247Q.
Identifiers: ClinVar variation 2570806 (VCV002570806.27), dbSNP rs370470074, ClinGen allele CA6206352.

ClinVar aggregate classification (germline): Uncertain significance (1 of 4 stars; one submission).

Allele frequency attached by ClinVar (database versions not stated): gnomAD exomes 0.00003; ExAC 0.00006; ESP Exome Variant Server 0.00008.
gnomAD v4.1: 45 of 1,613,788 alleles (0.0028%); highest among the groups gnomAD compares: Middle Eastern, 0.016%; no homozygotes.

Submission:

CeGaT Center for Human Genetics Tuebingen
Classification: Uncertain significance. Last evaluated: 2023-05-01. Review status: criteria provided, single submitter. Criteria: CeGaT Center For Human Genetics Tuebingen Variant Classification Criteria Version 2. Collection method: clinical testing. Allele origin: germline. Affected: yes. Observed: 1 variant allele.
Comment: TENM4: PM2:Supporting